The following is an entry in ClinVar:

NM_004036.5(ADCY3):c.126C>T (p.Asn42=)

Gene: ADCY3 (adenylate cyclase 3; minus strand). Cytogenetic location: 2p23.3.
Variant type: single nucleotide variant.
Coding change: c.126C>T on transcript NM_004036.5 (MANE Select); coding-DNA position 126, C replaced by T.
Protein change: p.Asn42=; no amino-acid change (asparagine 42 retained).
Molecular consequence: synonymous variant.
Genome position (GRCh38, 1-based): chr2:24,918,862, G>A on the plus strand (C>T on the coding strand, the complement: ADCY3 is on the minus strand). VCF-style: chr2-24918862-G-A. GRCh37 (hg19) VCF-style: chr2-25141731-G-A.
Other names: c.126C>T, p.Asn42= (NM_001320613.2, NM_001377128.1, NM_001377129.1 and 2 more transcripts).
Identifiers: ClinVar variation 3036011 (VCV003036011.2), dbSNP rs1049157567, ClinGen allele CA43654005.

ClinVar aggregate classification (germline): Likely benign (0 of 4 stars; one submission).

Conditions:
ADCY3-related disorder. Also called: ADCY3-related condition.

Allele frequency attached by ClinVar (database versions not stated): gnomAD 0.00001; gnomAD exomes 0.00001; TOPMed 0.00002.
gnomAD v4.1: 23 of 1,613,140 alleles (0.0014%); highest among the groups gnomAD compares: Non-Finnish European, 0.0019%; no homozygotes.

Submission:

PreventionGenetics, part of Exact Sciences
Classification: Likely benign for ADCY3-related condition. Last evaluated: 2023-05-09. Review status: no assertion criteria provided. Collection method: clinical testing. Allele origin: germline.
Comment: This variant is classified as likely benign based on ACMG/AMP sequence variant interpretation guidelines (Richards et al. 2015 PMID: 25741868, with internal and published modifications).